The following is an entry in ClinVar:

NM_025233.7(COASY):c.700+2T>C

Gene: COASY (Coenzyme A synthase; plus strand). Cytogenetic location: 17q21.2.
Variant type: single nucleotide variant.
Coding change: c.700+2T>C on transcript NM_025233.7 (MANE Select); the canonical splice donor site of the intron after coding-DNA position 700, T replaced by C.
Molecular consequence: splice donor variant.
Genome position (GRCh38, 1-based): chr17:42,563,324, T>C. VCF-style: chr17-42563324-T-C. GRCh37 (hg19) VCF-style: chr17-40715342-T-C.
Other names: c.787+2T>C (NM_001042532.4); c.700+2T>C (NM_001042529.3).
Identifiers: ClinVar variation 5005756 (VCV005005756.2).

ClinVar aggregate classification (germline): Likely pathogenic (1 of 4 stars; one submission).

Conditions:
Pontocerebellar hypoplasia, type 12. Identifiers: Orphanet 611256, MedGen C4748873, MONDO:0032643, OMIM 618266.
Neurodegeneration with brain iron accumulation 6 (NBIA6). Also called: COASY protein-associated neurodegeneration. Identifiers: Orphanet 397725, MedGen C4517377, MONDO:0014290, OMIM 615643.

Submission:

Juno Genomics, Hangzhou Juno Genomics, Inc
Classification: Likely pathogenic for Neurodegeneration with brain iron accumulation 6; Pontocerebellar hypoplasia, type 12. Review status: criteria provided, single submitter. Criteria: ACMG Guidelines, 2015. Collection method: clinical testing. Allele origin: germline.
Comment: Null variant in a gene where loss of function (LOF) is a known mechanism of disease.;Absent from controls (or at extremely low frequency if recessive) in Genome Aggregation Database.